The following is an entry in ClinVar:

NM_030662.4(MAP2K2):c.1087C>T (p.Leu363Phe)

Gene: MAP2K2 (mitogen-activated protein kinase kinase 2; minus strand). Cytogenetic location: 19p13.3.
Variant type: single nucleotide variant.
Coding change: c.1087C>T on transcript NM_030662.4 (MANE Select); coding-DNA position 1087, C replaced by T.
Protein change: p.Leu363Phe; replaces leucine 363 with phenylalanine.
Molecular consequence: missense variant.
Genome position (GRCh38, 1-based): chr19:4,094,458, G>A on the plus strand (C>T on the coding strand, the complement: MAP2K2 is on the minus strand). VCF-style: chr19-4094458-G-A. GRCh37 (hg19) VCF-style: chr19-4094456-G-A.
Other names: short protein forms L363F.
Identifiers: ClinVar variation 1434578 (VCV001434578.6), dbSNP rs2145041802, ClinGen allele CA403382428.

ClinVar aggregate classification (germline): Uncertain significance (1 of 4 stars; one submission).

Conditions:
RASopathy. Also called: rasopathies; Noonan spectrum disorder. Identifiers: Orphanet 536391, MedGen C5555857, MONDO:0021060.

Submission:

Labcorp Genetics (formerly Invitae), Labcorp
Classification: Uncertain significance for RASopathy. Last evaluated: 2021-09-15. Review status: criteria provided, single submitter. Criteria: Invitae Variant Classification Sherloc (09022015). Collection method: clinical testing. Allele origin: germline.
Comment: In summary, the available evidence is currently insufficient to determine the role of this variant in disease. Therefore, it has been classified as a Variant of Uncertain Significance. Advanced modeling of protein sequence and biophysical properties (such as structural, functional, and spatial information, amino acid conservation, physicochemical variation, residue mobility, and thermodynamic stability) performed at Invitae indicates that this missense variant is expected to disrupt MAP2K2 protein function. This variant has not been reported in the literature in individuals affected with MAP2K2-related conditions. This variant is not present in population databases (ExAC no frequency). This sequence change replaces leucine with phenylalanine at codon 363 of the MAP2K2 protein (p.Leu363Phe). The leucine residue is highly conserved and there is a small physicochemical difference between leucine and phenylalanine.